The following is an entry in ClinVar:

NM_015602.4(TOR1AIP1):c.1313G>A (p.Ser438Asn)

Gene: TOR1AIP1 (torsin 1A interacting protein 1; plus strand). Cytogenetic location: 1q25.2.
Variant type: single nucleotide variant.
Coding change: c.1313G>A on transcript NM_015602.4 (MANE Select); coding-DNA position 1313, G replaced by A.
Protein change: p.Ser438Asn; replaces serine 438 with asparagine.
Molecular consequence: missense variant.
Genome position (GRCh38, 1-based): chr1:179,917,800, G>A. VCF-style: chr1-179917800-G-A. GRCh37 (hg19) VCF-style: chr1-179886935-G-A.
Other names: c.1316G>A, p.Ser439Asn (NM_001267578.2); short protein forms S439N, S438N.
Identifiers: ClinVar variation 965235 (VCV000965235.10), dbSNP rs1649066917, ClinGen allele CA343574215.

ClinVar aggregate classification (germline): Uncertain significance (1 of 4 stars; one submission).

Conditions:
Autosomal recessive limb-girdle muscular dystrophy type 2Y (MRRSDC). Also called: Muscular dystrophy, limb-girdle, type 2y; Muscular dystrophy, autosomal recessive, with rigid spine and distal joint contractures. Identifiers: Orphanet 424261, MedGen C4511482, MONDO:0014900, OMIM 617072.

Submission:

Labcorp Genetics (formerly Invitae), Labcorp
Classification: Uncertain significance for Autosomal recessive limb-girdle muscular dystrophy type 2Y. Last evaluated: 2024-01-25. Review status: criteria provided, single submitter. Criteria: Invitae Variant Classification Sherloc (09022015). Collection method: clinical testing. Allele origin: germline.
Comment: This sequence change replaces serine, which is neutral and polar, with asparagine, which is neutral and polar, at codon 439 of the TOR1AIP1 protein (p.Ser439Asn). This variant is not present in population databases (gnomAD no frequency). This variant has not been reported in the literature in individuals affected with TOR1AIP1-related conditions. ClinVar contains an entry for this variant (Variation ID: 965235). Advanced modeling of protein sequence and biophysical properties (such as structural, functional, and spatial information, amino acid conservation, physicochemical variation, residue mobility, and thermodynamic stability) performed at Invitae indicates that this missense variant is not expected to disrupt TOR1AIP1 protein function with a negative predictive value of 80%. In summary, the available evidence is currently insufficient to determine the role of this variant in disease. Therefore, it has been classified as a Variant of Uncertain Significance.